The following is an entry in ClinVar:

NM_000059.4(BRCA2):c.10006A>C (p.Ser3336Arg)

Gene: BRCA2 (BRCA2 DNA repair associated; plus strand). Cytogenetic location: 13q13.1.
Variant type: single nucleotide variant.
Coding change: c.10006A>C on transcript NM_000059.4 (MANE Select); coding-DNA position 10006, A replaced by C.
Protein change: p.Ser3336Arg; replaces serine 3336 with arginine.
Molecular consequence: missense variant.
Genome position (GRCh38, 1-based): chr13:32,398,519, A>C. VCF-style: chr13-32398519-A-C. GRCh37 (hg19) VCF-style: chr13-32972656-A-C.
Other names: c.9910A>C, p.Ser3304Arg (NM_001406719.1); c.9955A>C, p.Ser3319Arg (NM_001406720.1); c.5074A>C, p.Ser1692Arg (NM_001406721.1); c.3589A>C, p.Ser1197Arg (NM_001406722.1); short protein forms S1692R, S1197R, S3336R, S3304R, S3319R.
Identifiers: ClinVar variation 1728794 (VCV001728794.2), dbSNP rs1311718055, ClinGen allele CA387767685.

ClinVar aggregate classification (germline): Uncertain significance (1 of 4 stars; one submission).

Conditions:
Hereditary cancer-predisposing syndrome. Also called: Tumor predisposition; Neoplastic Syndromes, Hereditary; Hereditary Cancer Syndrome; Hereditary neoplastic syndrome. Identifiers: Orphanet 140162, MedGen C0027672, MeSH D009386, MONDO:0015356.

Submission:

Ambry Genetics
Classification: Uncertain significance for Hereditary cancer-predisposing syndrome. Last evaluated: 2022-09-08. Review status: criteria provided, single submitter. Criteria: Ambry Variant Classification Scheme 2023. Collection method: clinical testing. Allele origin: germline.
Comment: The p.S3336R variant (also known as c.10006A>C), located in coding exon 26 of the BRCA2 gene, results from an A to C substitution at nucleotide position 10006. The serine at codon 3336 is replaced by arginine, an amino acid with dissimilar properties. This amino acid position is conserved. In addition, this alteration is predicted to be tolerated by in silico analysis. Since supporting evidence is limited at this time, the clinical significance of this alteration remains unclear.